The following is an entry in ClinVar:

NM_016203.4(PRKAG2):c.530T>C (p.Leu177Pro)

Gene: PRKAG2 (protein kinase AMP-activated non-catalytic subunit gamma 2; minus strand). Cytogenetic location: 7q36.1.
Variant type: single nucleotide variant.
Coding change: c.530T>C on transcript NM_016203.4 (MANE Select); coding-DNA position 530, T replaced by C.
Protein change: p.Leu177Pro; replaces leucine 177 with proline.
Molecular consequence: missense variant. On other transcripts: intron variant (5).
Genome position (GRCh38, 1-based): chr7:151,675,574, A>G on the plus strand (T>C on the coding strand, the complement: PRKAG2 is on the minus strand). VCF-style: chr7-151675574-A-G. GRCh37 (hg19) VCF-style: chr7-151372660-A-G.
Other names: c.13-43436T>C (NM_001407038.1); c.398T>C, p.Leu133Pro (NM_001040633.2, NM_001407024.1, NM_001407026.1 and 1 more transcripts); c.158T>C, p.Leu53Pro (NM_001304527.2, NM_001363698.2, NM_001407028.1 and 1 more transcripts); c.530T>C, p.Leu177Pro (NM_001407021.1, NM_001407022.1, NM_001407023.1); c.212T>C, p.Leu71Pro (NM_001407032.1); c.467-80123T>C (NM_001407031.1); c.467-80120T>C (NM_001407030.1); c.361-43436T>C (NM_001407033.1); and 1 more; short protein forms L133P, L177P, L53P, L71P.
Identifiers: ClinVar variation 4532485 (VCV004532485.1).
Genomic context (GRCh38, chr7:151,675,574, plus strand): 5'-GGGGAAGACGAGGCATAGATGCGATTCTCTAACCGTTCAGGCTCGTGCTTATAGGATTCC[A>G]GGGGAAACGTGTGCTGCTTGGTCACTTGGGTGGGTGTTGACGGAGAGGAGGAGAGGCCGG-3'
Protein context (NP_057287.2, residues 167-187): TQVTKQHTFP[Leu177Pro]ESYKHEPERL

ClinVar aggregate classification (germline): Uncertain significance (1 of 4 stars; one submission).

Submission:

GeneDx
Classification: Uncertain significance. Last evaluated: 2025-05-28. Review status: criteria provided, single submitter. Criteria: GeneDx Variant Classification Process June 2021. Collection method: clinical testing. Allele origin: germline. Affected: yes.
Comment: Not observed at significant frequency in large population cohorts (gnomAD); In silico analysis suggests that this missense variant does not alter protein structure/function; Has not been previously published as pathogenic or benign to our knowledge